The following is an entry in ClinVar:

ClinVar aggregate classification (germline): Benign/Likely benign. Review status: criteria provided, multiple submitters, no conflicts (2 of 4 stars). 6 submissions from 6 submitters: Benign (1); Likely benign (4). 1 of the submissions does not count toward it. Last evaluated 2025-12-20.

Conditions:
Focal segmental glomerulosclerosis 5 (FSGS5). Identifiers: Orphanet 656, MedGen C2750475, MONDO:0013191, OMIM 613237.
Charcot-Marie-Tooth disease dominant intermediate E. Also called: CHARCOT-MARIE-TOOTH NEUROPATHY WITH FOCAL SEGMENTAL GLOMERULONEPHRITIS. Identifiers: Orphanet 93114, MedGen C4302667, MONDO:0013758, OMIM 614455.
INF2-related disorder. Also called: INF2-related condition.
Inborn genetic diseases. Identifiers: MedGen C0950123, MeSH D030342.

Allele frequency attached by ClinVar (database versions not stated): gnomAD 0.00009; TOPMed 0.00011; gnomAD exomes 0.00018 and 0.00021; ExAC 0.00021; ESP Exome Variant Server 0.00024.
gnomAD v4.1: 319 of 1,603,544 alleles (0.02%); highest among the groups gnomAD compares: South Asian, 0.059%; 1 homozygote.

Submissions (6):

PreventionGenetics, part of Exact Sciences
Classification: Likely benign for INF2-related condition. Last evaluated: 2025-12-20. Review status: criteria provided, single submitter. Criteria: ACMG Guidelines, 2015. Collection method: clinical testing. Allele origin: germline.
Comment: This variant is classified as likely benign based on ACMG/AMP sequence variant interpretation guidelines (Richards et al. 2015 PMID: 25741868, with internal and published modifications).

Labcorp Genetics (formerly Invitae), Labcorp
Classification: Benign for Charcot-Marie-Tooth disease dominant intermediate E; Focal segmental glomerulosclerosis 5. Last evaluated: 2025-11-26. Review status: criteria provided, single submitter. Criteria: Invitae Variant Classification Sherloc (09022015). Collection method: clinical testing. Allele origin: germline.

Laboratory of Genetics, Children's Clinical University Hospital Latvia
Classification: Likely benign. Last evaluated: 2025-02-16. Review status: criteria provided, single submitter. Criteria: ACMG Guidelines, 2015. Collection method: clinical testing. Allele origin: germline. Affected: yes.

Fulgent Genetics
Classification: Likely benign for Focal segmental glomerulosclerosis 5; Charcot-Marie-Tooth disease dominant intermediate E. Last evaluated: 2022-04-29. Review status: criteria provided, single submitter. Criteria: ACMG Guidelines, 2015. Collection method: clinical testing. Allele origin: unknown.

Ambry Genetics
Classification: Likely benign for Inborn genetic diseases. Last evaluated: 2021-08-12. Review status: criteria provided, single submitter. Criteria: Ambry Variant Classification Scheme 2023. Collection method: clinical testing. Allele origin: germline.

Bioscientia Institut fuer Medizinische Diagnostik GmbH, Sonic Healthcare
Classification: Uncertain significance for Focal segmental glomerulosclerosis 5. Last evaluated: 2018-04-18. Review status: no assertion criteria provided. Collection method: clinical testing. Allele origin: germline. Affected: yes. Not counted in ClinVar's aggregate classification.

NM_022489.4(INF2):c.1640G>A (p.Gly547Asp)

Gene: INF2 (inverted formin 2; plus strand). Cytogenetic location: 14q32.33.
Variant type: single nucleotide variant.
Coding change: c.1640G>A on transcript NM_022489.4 (MANE Select); coding-DNA position 1640, G replaced by A.
Protein change: p.Gly547Asp; replaces glycine 547 with aspartic acid.
Molecular consequence: missense variant.
Genome position (GRCh38, 1-based): chr14:104,707,907, G>A. VCF-style: chr14-104707907-G-A. GRCh37 (hg19) VCF-style: chr14-105174244-G-A.
Other names: c.1640G>A, p.Gly547Asp (NM_001031714.4); short protein forms G547D.
Identifiers: ClinVar variation 599110 (VCV000599110.15), dbSNP rs376451593, ClinGen allele CA7372612.